The following is an entry in ClinVar:

NM_001369268.1(ACAN):c.7247G>A (p.Gly2416Asp)

Gene: ACAN (aggrecan; plus strand). Cytogenetic location: 15q26.1.
Variant type: single nucleotide variant.
Coding change: c.7247G>A on transcript NM_001369268.1 (MANE Select); coding-DNA position 7247, G replaced by A.
Protein change: p.Gly2416Asp; replaces glycine 2416 with aspartic acid.
Molecular consequence: missense variant.
Genome position (GRCh38, 1-based): chr15:88,872,030, G>A. VCF-style: chr15-88872030-G-A. GRCh37 (hg19) VCF-style: chr15-89415261-G-A.
Other names: c.7019G>A, p.Gly2340Asp (NM_001135.4, NM_001411096.1); c.7133G>A, p.Gly2378Asp (NM_001411097.1, NM_013227.4); short protein forms G2340D, G2378D, G2416D.
Identifiers: ClinVar variation 3061320 (VCV003061320.2), dbSNP rs2505383706, ClinGen allele CA393730165.
Genomic context (GRCh38, chr15:88,872,030, plus strand): 5'-GTGTGATGCCTGACACCCTCACCCTTTCCCCAGACAATGCCCAAGACTACCAGTGGATCG[G>A]CCTGAACGACAGGACCATCGAAGGGGACTTCCGCTGGTCAGATGGACACCCCATGGTGAG-3'
Protein context (NP_001356197.1, residues 2406-2426): NNNAQDYQWI[Gly2416Asp]LNDRTIEGDF

ClinVar aggregate classification (germline): Likely pathogenic (0 of 4 stars; one submission).

Conditions:
ACAN-related disorder. Also called: ACAN-related condition; ACAN-related disorders.

Submission:

PreventionGenetics, part of Exact Sciences
Classification: Likely pathogenic for ACAN-related condition. Last evaluated: 2024-09-10. Review status: no assertion criteria provided. Collection method: clinical testing. Allele origin: germline.
Comment: The ACAN c.7133G>A variant is predicted to result in the amino acid substitution p.Gly2378Asp. To our knowledge, this variant has not been reported in the literature or in a large population database, indicating this variant is rare. This variant has been shown to segregate with disease in members of a three generation family diagnosed with osteochondritis desiccans undergoing testing at PreventionGenetics (internal data). This variant is interpreted as likely pathogenic.